The following is an entry in ClinVar:

ClinVar aggregate classification (germline): Likely pathogenic. Review status: criteria provided, single submitter (1 of 4 stars). 2 submissions from 2 submitters: Likely pathogenic (1). 1 of the submissions does not count toward it. Last evaluated 2024-03-03.

Conditions:
Spermatogenic failure 78. Identifiers: MedGen C5774276, MONDO:0859338, OMIM 620170.

Submissions (2):

SIB Swiss Institute of Bioinformatics
Classification: Likely pathogenic for Spermatogenic failure 78. Last evaluated: 2024-03-03. Review status: criteria provided, single submitter. Criteria: ACMG Guidelines, 2015. Collection method: curation. Allele origin: unknown. Affected: yes.
Comment: This variant is interpreted for Spermatogenic failure 78, autosomal recessive. The following ACMG Tag(s) were applied: Absent from controls (or at extremely low frequency if recessive) in gnomAD (PM2). Protein length changes as a result of in-frame deletions/insertions in a nonrepeat region or stop-loss variants (PM4). Well-established functional studies show a deleterious effect (PS3-moderate).

OMIM
Classification: Pathogenic for SPERMATOGENIC FAILURE 78. Last evaluated: 2022-12-16. Review status: no assertion criteria provided. Collection method: literature only. Allele origin: germline. Not counted in ClinVar's aggregate classification.

Literature cited by the submitters: PubMed 36321563 (cited by SIB Swiss Institute of Bioinformatics and OMIM).

NM_001145304.2(IQCN):c.910C>T (p.Gln304Ter)

Gene: IQCN (IQ motif containing N; minus strand). Cytogenetic location: 19p13.11.
Variant type: single nucleotide variant.
Coding change: c.910C>T on transcript NM_001145304.2 (MANE Select); coding-DNA position 910, C replaced by T.
Protein change: p.Gln304Ter; replaces glutamine 304 with a stop codon.
Molecular consequence: nonsense.
Genome position (GRCh38, 1-based): chr19:18,266,630, G>A on the plus strand (C>T on the coding strand, the complement: IQCN is on the minus strand). VCF-style: chr19-18266630-G-A. GRCh37 (hg19) VCF-style: chr19-18377440-G-A.
Other names: c.772C>T, p.Gln258Ter (NM_001145305.2); c.910C>T, p.Gln304Ter (NM_025249.4); short protein forms Q304*, Q258*.
Identifiers: ClinVar variation 2626860 (VCV002626860.2), dbSNP rs2512743108, ClinGen allele CA404841118.
Genomic context (GRCh38, chr19:18,266,630, plus strand): 5'-TGGGGGTCTCTGCTTTCACAGGGCCCTGGGTTTGGGCTCTGGATGGTCTCGTAACTGCCT[G>A]GTCATACCTTCTGGACAATGGTGTCTCCGGAGCCCTGGCTTTGTTGGTCCGGGCACTTAC-3'